The following is an entry in ClinVar:

NM_000051.4(ATM):c.72+20C>G

Gene: ATM (ATM serine/threonine kinase; plus strand). Cytogenetic location: 11q22.3.
Variant type: single nucleotide variant.
Coding change: c.72+20C>G on transcript NM_000051.4 (MANE Select); 20 bases into the intron after coding-DNA position 72, C replaced by G.
Molecular consequence: intron variant.
Genome position (GRCh38, 1-based): chr11:108,227,716, C>G. VCF-style: chr11-108227716-C-G. GRCh37 (hg19) VCF-style: chr11-108098443-C-G.
Other names: c.72+20C>G (NM_001351834.2, NM_001351835.2, NM_001351836.2).
Identifiers: ClinVar variation 507924 (VCV000507924.8), dbSNP rs1555053997, ClinGen allele CA658797772.

ClinVar aggregate classification (germline): Likely benign. Review status: criteria provided, multiple submitters, no conflicts (2 of 4 stars). 2 submissions from 2 submitters: Likely benign (2). Last evaluated 2025-06-11.

Conditions:
Ataxia-telangiectasia syndrome (AT). Also called: Cerebello-oculocutaneous telangiectasia; Immunodeficiency with ataxia telangiectasia; AT, COMPLEMENTATION GROUP C; Ataxia-telangiectasia, complementation group D; LOUIS-BAR SYNDROME; Ataxia-telangiectasia, complementation group E. Identifiers: Orphanet 100, MedGen C0004135, MONDO:0008840, OMIM 208900.

gnomAD v4.1: 1 of 1,597,350 alleles (0.000063%); highest among the groups gnomAD compares: Non-Finnish European, 0.000085%; no homozygotes.

Submissions (2):

Labcorp Genetics (formerly Invitae), Labcorp
Classification: Likely benign for Ataxia-telangiectasia syndrome. Last evaluated: 2025-06-11. Review status: criteria provided, single submitter. Criteria: Invitae Variant Classification Sherloc (09022015). Collection method: clinical testing. Allele origin: germline.

GeneDx
Classification: Likely benign. Last evaluated: 2017-03-09. Review status: criteria provided, single submitter. Criteria: GeneDx Variant Classification (06012015). Collection method: clinical testing. Allele origin: germline. Affected: yes.
Comment: This variant is considered likely benign or benign based on one or more of the following criteria: it is a conservative change, it occurs at a poorly conserved position in the protein, it is predicted to be benign by multiple in silico algorithms, and/or has population frequency not consistent with disease.